The following is an entry in ClinVar:

ClinVar aggregate classification (germline): Benign/Likely benign. Review status: criteria provided, multiple submitters, no conflicts (2 of 4 stars). 7 submissions from 7 submitters: Benign (3); Likely benign (4). Last evaluated 2026-01-26.

Conditions:
Glycogen storage disease IXc (GSD9C). Also called: GSD IXc. Identifiers: Orphanet 264580, MedGen C2751643, MONDO:0013091, OMIM 613027.

Allele frequency attached by ClinVar (database versions not stated): gnomAD exomes 0.00028 and 0.00062; ExAC 0.00087; 1000 Genomes Project 30x 0.00297; gnomAD 0.00310 and 0.00340; TOPMed 0.00320; ESP Exome Variant Server 0.00346; 1000 Genomes Project 0.00359.
gnomAD v4.1: 910 of 1,613,000 alleles (0.056%); highest among the groups gnomAD compares: African/African-American, 1.1%; 3 homozygotes.

Submissions (7):

Labcorp Genetics (formerly Invitae), Labcorp
Classification: Benign for Glycogen storage disease IXc. Last evaluated: 2026-01-26. Review status: criteria provided, single submitter. Criteria: Invitae Variant Classification Sherloc (09022015). Collection method: clinical testing. Allele origin: germline.

Blueprint Genetics
Classification: Likely benign. Last evaluated: 2024-11-25. Review status: criteria provided, single submitter. Criteria: ACMG Guidelines, 2015. Collection method: clinical testing. Allele origin: germline.

Mayo Clinic Laboratories, Mayo Clinic
Classification: Benign. Last evaluated: 2023-12-11. Review status: criteria provided, single submitter. Criteria: ACMG Guidelines, 2015. Collection method: clinical testing. Allele origin: germline. Observed: 4 variant alleles.
Comment: BA1, BP4, BP7

ARUP Laboratories, Molecular Genetics and Genomics, ARUP Laboratories
Classification: Likely benign for Glycogen storage disease IXc. Last evaluated: 2022-03-30. Review status: criteria provided, single submitter. Criteria: ARUP Molecular Germline Variant Investigation Process 2021. Collection method: clinical testing. Allele origin: germline.

Illumina Laboratory Services, Illumina
Classification: Likely benign for Glycogen storage disease IXc. Last evaluated: 2018-01-13. Review status: criteria provided, single submitter. Criteria: ICSL Variant Classification Criteria 13 December 2019. Collection method: clinical testing. Allele origin: germline.
Comment: This variant was observed in the ICSL laboratory as part of a predisposition screen in an ostensibly healthy population. It had not been previously curated by ICSL or reported in the Human Gene Mutation Database (HGMD: prior to June 1st, 2018), and was therefore a candidate for classification through an automated scoring system. Utilizing variant allele frequency, disease prevalence and penetrance estimates, and inheritance mode, an automated score was calculated to assess if this variant is too frequent to cause the disease. Based on the score and internal cut-off values, a variant classified as likely benign is not then subjected to further curation. The score for this variant resulted in a classification of likely benign for this disease.

GeneDx
Classification: Likely benign. Last evaluated: 2017-10-02. Review status: criteria provided, single submitter. Criteria: GeneDx Variant Classification (06012015). Collection method: clinical testing. Allele origin: germline. Affected: yes.
Comment: This variant is considered likely benign or benign based on one or more of the following criteria: it is a conservative change, it occurs at a poorly conserved position in the protein, it is predicted to be benign by multiple in silico algorithms, and/or has population frequency not consistent with disease.

PreventionGenetics, part of Exact Sciences
Classification: Benign. Review status: criteria provided, single submitter. Criteria: ACMG Guidelines, 2015. Collection method: clinical testing. Allele origin: germline.

NM_000294.3(PHKG2):c.96-10G>T

Gene: PHKG2 (phosphorylase kinase catalytic subunit gamma 2; plus strand). Cytogenetic location: 16p11.2.
Variant type: single nucleotide variant.
Coding change: c.96-10G>T on transcript NM_000294.3 (MANE Select); 10 bases into the intron before coding-DNA position 96, G replaced by T.
Molecular consequence: intron variant.
Genome position (GRCh38, 1-based): chr16:30,751,096, G>T. VCF-style: chr16-30751096-G-T. GRCh37 (hg19) VCF-style: chr16-30762417-G-T.
Other names: p.?; c.96-10G>T (NM_001172432.2).
Identifiers: ClinVar variation 255786 (VCV000255786.18), dbSNP rs74015042, ClinGen allele CA8013036.
Genomic context (GRCh38, chr16:30,751,096, plus strand): 5'-CTGAGGCCCCAGCCTGTGCGGAAATGTGAGCACAGAGGCCCTGACTTGTGCTATTTTCCG[G>T]CTCTTGCAGAGGAGTGAGCTCTGTGGTCCGCCGTTGTGTTCATCGAGCTACTGGCCACGA-3'